The following is an entry in ClinVar:

NM_007059.4(KPTN):c.391del (p.Ala131fs)

Gene: KPTN (kaptin, actin binding protein; minus strand). Cytogenetic location: 19q13.32.
Variant type: Deletion.
Coding change: c.391del on transcript NM_007059.4 (MANE Select); coding-DNA position 391, one base deleted (G; older notation c.391delG).
Protein change: p.Ala131fs; shifts the reading frame from alanine 131.
Molecular consequence: frameshift variant. On other transcripts: non-coding transcript variant (1), intron variant (1).
Genome position (GRCh38, 1-based): chr19:47,483,298, C deleted on the plus strand (G on the coding strand, the reverse complement: KPTN is on the minus strand). VCF-style (leftmost placement, unchanged base first): chr19-47483297-GC-G. GRCh37 (hg19) VCF-style: chr19-47986554-GC-G.
Other names: c.227-83del (NM_001291296.2); short protein forms A131fs.
Identifiers: ClinVar variation 2862376 (VCV002862376.3), dbSNP rs1967952850, ClinGen allele CA2339431138.

ClinVar aggregate classification (germline): Pathogenic (1 of 4 stars; one submission).

Conditions:
Macrocephaly-developmental delay syndrome (MRT41). Also called: INTELLECTUAL DEVELOPMENTAL DISORDER, AUTOSOMAL RECESSIVE 41. Identifiers: Orphanet 397612, MedGen C3810225, MONDO:0014289, OMIM 615637.

Allele frequency attached by ClinVar (database versions not stated): gnomAD exomes below 0.00001; TOPMed below 0.00001.

Submission:

Labcorp Genetics (formerly Invitae), Labcorp
Classification: Pathogenic for Macrocephaly-developmental delay syndrome. Last evaluated: 2023-06-22. Review status: criteria provided, single submitter. Criteria: Invitae Variant Classification Sherloc (09022015). Collection method: clinical testing. Allele origin: germline.
Comment: For these reasons, this variant has been classified as Pathogenic. This variant has not been reported in the literature in individuals affected with KPTN-related conditions. This variant is not present in population databases (gnomAD no frequency). This sequence change creates a premature translational stop signal (p.Ala131Profs*5) in the KPTN gene. It is expected to result in an absent or disrupted protein product. Loss-of-function variants in KPTN are known to be pathogenic (PMID: 24239382, 25847626).

Literature cited by the submitters: PubMed 24239382; PubMed 25847626.